The following is an entry in ClinVar:

NM_182961.4(SYNE1):c.14359T>C (p.Cys4787Arg)

Gene: SYNE1 (spectrin repeat containing nuclear envelope protein 1; minus strand). Cytogenetic location: 6q25.2.
Variant type: single nucleotide variant.
Coding change: c.14359T>C on transcript NM_182961.4 (MANE Select); coding-DNA position 14359, T replaced by C.
Protein change: p.Cys4787Arg; replaces cysteine 4787 with arginine.
Molecular consequence: missense variant.
Genome position (GRCh38, 1-based): chr6:152,330,326, A>G on the plus strand (T>C on the coding strand, the complement: SYNE1 is on the minus strand). VCF-style: chr6-152330326-A-G. GRCh37 (hg19) VCF-style: chr6-152651461-A-G.
Other names: c.14146T>C, p.Cys4716Arg (NM_033071.5); short protein forms C4716R, C4787R.
Identifiers: ClinVar variation 2148998 (VCV002148998.4), dbSNP rs2485131293, ClinGen allele CA366097952.

ClinVar aggregate classification (germline): Uncertain significance (1 of 4 stars; one submission).

Conditions:
Autosomal recessive ataxia, Beauce type. Also called: SYNE1-Related Autosomal Recessive Cerebellar Ataxia; Spinocerebellar ataxia, autosomal recessive 8; ATAXIA, RECESSIVE, OF BEAUCE; SYNE1 Deficiency. Identifiers: Orphanet 88644, MedGen C1853116, MONDO:0012549, OMIM 610743.
Emery-Dreifuss muscular dystrophy 4, autosomal dominant (EDMD4). Also called: EMERY-DREIFUSS MUSCULAR DYSTROPHY 4 WITH VARIABLE FEATURES. Identifiers: Orphanet 261, MedGen C2751807, MONDO:0013071, OMIM 612998.

Submission:

Labcorp Genetics (formerly Invitae), Labcorp
Classification: Uncertain significance for Emery-Dreifuss muscular dystrophy 4, autosomal dominant; Autosomal recessive ataxia, Beauce type. Last evaluated: 2022-06-24. Review status: criteria provided, single submitter. Criteria: Invitae Variant Classification Sherloc (09022015). Collection method: clinical testing. Allele origin: germline.
Comment: This variant has not been reported in the literature in individuals affected with SYNE1-related conditions. This variant is not present in population databases (gnomAD no frequency). This sequence change replaces cysteine, which is neutral and slightly polar, with arginine, which is basic and polar, at codon 4716 of the SYNE1 protein (p.Cys4716Arg). In summary, the available evidence is currently insufficient to determine the role of this variant in disease. Therefore, it has been classified as a Variant of Uncertain Significance. Algorithms developed to predict the effect of missense changes on protein structure and function output the following: SIFT: "Deleterious"; PolyPhen-2: "Benign"; Align-GVGD: "Class C0". The arginine amino acid residue is found in multiple mammalian species, which suggests that this missense change does not adversely affect protein function.